The following is an entry in ClinVar:

NM_021956.5(GRIK2):c.1062C>T (p.Arg354=)

Gene: GRIK2 (glutamate ionotropic receptor kainate type subunit 2; plus strand). Cytogenetic location: 6q16.3.
Variant type: single nucleotide variant.
Coding change: c.1062C>T on transcript NM_021956.5 (MANE Select); coding-DNA position 1062, C replaced by T.
Protein change: p.Arg354=; no amino-acid change (arginine 354 retained).
Molecular consequence: synonymous variant.
Genome position (GRCh38, 1-based): chr6:101,799,758, C>T. VCF-style: chr6-101799758-C-T. GRCh37 (hg19) VCF-style: chr6-102247633-C-T.
Other names: c.1062C>T, p.Arg354= (NM_001166247.1, NM_175768.3).
Identifiers: ClinVar variation 3352351 (VCV003352351.1).

ClinVar aggregate classification (germline): Likely benign (0 of 4 stars; one submission).

Conditions:
GRIK2-related disorder. Also called: GRIK2-related condition.

gnomAD v4.1: 6 of 1,613,466 alleles (0.00037%); highest among the groups gnomAD compares: East Asian, 0.0067%; no homozygotes.

Submission:

PreventionGenetics, part of Exact Sciences
Classification: Likely benign for GRIK2-related condition. Last evaluated: 2019-07-12. Review status: no assertion criteria provided. Collection method: clinical testing. Allele origin: germline.
Comment: This variant is classified as likely benign based on ACMG/AMP sequence variant interpretation guidelines (Richards et al. 2015 PMID: 25741868, with internal and published modifications).